The following is an entry in ClinVar:

ClinVar aggregate classification (germline): Uncertain significance. Review status: criteria provided, multiple submitters, no conflicts (2 of 4 stars). 3 submissions from 3 submitters: Uncertain significance (3). Last evaluated 2026-01-27.

Conditions:
Hereditary cancer-predisposing syndrome. Also called: Tumor predisposition; Hereditary neoplastic syndrome; Neoplastic Syndromes, Hereditary; Hereditary Cancer Syndrome. Identifiers: Orphanet 140162, MedGen C0027672, MeSH D009386, MONDO:0015356.
EGFR-related lung cancer (EGFR). Identifiers: MedGen CN130014.

Allele frequency attached by ClinVar (database versions not stated): TOPMed 0.00003; ESP Exome Variant Server 0.00008.
gnomAD v4.1: 31 of 1,613,944 alleles (0.0019%); highest among the groups gnomAD compares: Admixed American, 0.013%; no homozygotes.

Submissions (3):

Labcorp Genetics (formerly Invitae), Labcorp
Classification: Uncertain significance for EGFR-related lung cancer. Last evaluated: 2026-01-27. Review status: criteria provided, single submitter. Criteria: Invitae Variant Classification Sherloc (09022015). Collection method: clinical testing. Allele origin: germline.
Comment: This sequence change replaces aspartic acid, which is acidic and polar, with histidine, which is basic and polar, at codon 1152 of the EGFR protein (p.Asp1152His). This variant is present in population databases (rs368892932, gnomAD 0.004%). This variant has not been reported in the literature in individuals affected with EGFR-related conditions. ClinVar contains an entry for this variant (Variation ID: 957247). An algorithm developed to predict the effect of missense changes on protein structure and function (PolyPhen-2) suggests that this variant is likely to be disruptive. In summary, the available evidence is currently insufficient to determine the role of this variant in disease. Therefore, it has been classified as a Variant of Uncertain Significance.

Ambry Genetics
Classification: Uncertain significance for Hereditary cancer-predisposing syndrome. Last evaluated: 2024-12-17. Review status: criteria provided, single submitter. Criteria: Ambry Variant Classification Scheme 2023. Collection method: clinical testing. Allele origin: germline.
Comment: The p.D1152H variant (also known as c.3454G>C), located in coding exon 28 of the EGFR gene, results from a G to C substitution at nucleotide position 3454. The aspartic acid at codon 1152 is replaced by histidine, an amino acid with similar properties. This amino acid position is not well conserved in available vertebrate species. In addition, this alteration is predicted to be tolerated by in silico analysis. Based on the available evidence, the clinical significance of this variant remains unclear.

Sema4
Classification: Uncertain significance for Hereditary cancer-predisposing syndrome. Last evaluated: 2021-04-12. Review status: criteria provided, single submitter. Criteria: Sema4 Curation Guidelines. Collection method: curation. Allele origin: germline.
Comment: To the best of our knowledge, the EGFR c.3454G>C (p.D1152H) variant has not been reported in individuals with EGFR-related disease. This variant was observed in 5/128754 chromosomes in the Non-Finnish European subpopulation according to the Genome Aggregation Database (PMID: 32461654). This variant has been reported in ClinVar (Variation ID: 957247). Functional studies have not been performed, and in silico predictions of the variant's effect on protein function are inconclusive. Based on the current evidence available, this variant is interpreted as a variant of uncertain significance.

NM_005228.5(EGFR):c.3454G>C (p.Asp1152His)

Gene: EGFR (epidermal growth factor receptor; plus strand). Cytogenetic location: 7p11.2.
Variant type: single nucleotide variant.
Coding change: c.3454G>C on transcript NM_005228.5 (MANE Select); coding-DNA position 3454, G replaced by C.
Protein change: p.Asp1152His; replaces aspartic acid 1152 with histidine.
Molecular consequence: missense variant.
Genome position (GRCh38, 1-based): chr7:55,205,438, G>C. VCF-style: chr7-55205438-G-C. GRCh37 (hg19) VCF-style: chr7-55273131-G-C.
Other names: c.3319G>C, p.Asp1107His (NM_001346899.2); c.3295G>C, p.Asp1099His (NM_001346900.2); c.2653G>C, p.Asp885His (NM_001346941.2); short protein forms D1107H, D1152H, D885H, D1099H.
Identifiers: ClinVar variation 957247 (VCV000957247.9), dbSNP rs368892932, ClinGen allele CA4266405.
Genomic context (GRCh38, chr7:55,205,438, plus strand): 5'-GCAGTGGGCAACCCCGAGTATCTCAACACTGTCCAGCCCACCTGTGTCAACAGCACATTC[G>C]ACAGCCCTGCCCACTGGGCCCAGAAAGGCAGCCACCAAATTAGCCTGGACAACCCTGACT-3'
Protein context (NP_005219.2, residues 1142-1162): VQPTCVNSTF[Asp1152His]SPAHWAQKGS